The following is an entry in ClinVar:

ClinVar aggregate classification (germline): Pathogenic/Likely pathogenic. Review status: criteria provided, multiple submitters, no conflicts (2 of 4 stars). 2 submissions from 2 submitters: Pathogenic (1); Likely pathogenic (1). Last evaluated 2026-07-02.

Conditions:
Inborn genetic diseases. Identifiers: MedGen C0950123, MeSH D030342.

gnomAD v4.1: 1 of 1,613,822 alleles (0.000062%); highest among the groups gnomAD compares: Non-Finnish European, 0.000085%; no homozygotes.

Submissions (2):

Ambry Genetics
Classification: Pathogenic for Inborn genetic diseases. Last evaluated: 2026-07-02. Review status: criteria provided, single submitter. Criteria: Ambry Variant Classification Scheme 2023. Collection method: clinical testing. Allele origin: germline.
Comment: The c.160C>T (p.R54*) alteration, located in exon 4 (coding exon 2) of the SETD5 gene, consists of a C to T substitution at nucleotide position 160. This changes the amino acid from a arginine (R) to a stop codon at amino acid position 54. This variant is expected to result in loss of function by premature protein truncation or nonsense-mediated mRNA decay. This variant was not reported in population-based cohorts in the Genome Aggregation Database (gnomAD). Based on the available evidence, this alteration is classified as pathogenic.

GeneDx
Classification: Likely pathogenic. Last evaluated: 2026-02-26. Review status: criteria provided, single submitter. Criteria: GeneDx Variant Classification Process June 2021. Collection method: clinical testing. Allele origin: germline.
Comment: Reported in a proband from the DiscovEHR cohort and in a proband from the EpiSign Knowledge Database; however, detailed clinical information was not provided (PMID: 35904121, 36475376); Nonsense variant predicted to result in protein truncation or nonsense mediated decay in a gene for which loss of function is a known mechanism of disease; Not observed at significant frequency in large population cohorts (gnomAD); This variant is associated with the following publications: (PMID: 35904121, 36475376)

NM_001080517.3(SETD5):c.160C>T (p.Arg54Ter)

Gene: SETD5 (SET domain containing 5; plus strand). Cytogenetic location: 3p25.3.
Variant type: single nucleotide variant.
Coding change: c.160C>T on transcript NM_001080517.3 (MANE Select); coding-DNA position 160, C replaced by T.
Protein change: p.Arg54Ter; replaces arginine 54 with a stop codon.
Molecular consequence: nonsense. On other transcripts: 5 prime UTR variant (2).
Genome position (GRCh38, 1-based): chr3:9,433,933, C>T. VCF-style: chr3-9433933-C-T. GRCh37 (hg19) VCF-style: chr3-9475617-C-T.
Other names: c.-174C>T (NM_001292043.2); c.-215C>T (NM_001349451.2); c.160C>T, p.Arg54Ter (NM_001437633.1, NM_001437635.1, NM_001437643.1 and 1 more transcripts); short protein forms R54*.
Identifiers: ClinVar variation 4891339 (VCV004891339.2).